The following is an entry in ClinVar:

ClinVar aggregate classification (germline): Pathogenic (0 of 4 stars; one submission).

Conditions:
Alkaptonuria (AKU). Also called: Alkaptonuric ochronosis; Homogentisic acidura; Alcaptonuria; HOMOGENTISIC ACID OXIDASE DEFICIENCY. Identifiers: Orphanet 56, MedGen C0002066, MONDO:0008753, OMIM 203500.

Submission:

Department Of Human Genetics, Institute Of Clinical And Translational Research, Biomedical Research Center, Slovak Academy Of Sciences
Classification: Pathogenic for Alkaptonuria. Review status: no assertion criteria provided. Collection method: research. Allele origin: germline. Inheritance: Autosomal recessive inheritance. Affected: yes. Observed: 1 variant allele.
Comment: The variant was originally described in AKU patient in PMID:12501223. It has been submitted to the HGD gene mutation database (DB-ID: AKU_00035).

Literature cited by the submitters: PubMed 12501223.

NM_000187.4(HGD):c.407T>A (p.Phe136Tyr)

Gene: HGD (homogentisate 1,2-dioxygenase; minus strand). Cytogenetic location: 3q13.33.
Variant type: single nucleotide variant.
Coding change: c.407T>A on transcript NM_000187.4 (MANE Select); coding-DNA position 407, T replaced by A.
Protein change: p.Phe136Tyr; replaces phenylalanine 136 with tyrosine.
Molecular consequence: missense variant.
Genome position (GRCh38, 1-based): chr3:120,650,801, A>T on the plus strand (T>A on the coding strand, the complement: HGD is on the minus strand). VCF-style: chr3-120650801-A-T. GRCh37 (hg19) VCF-style: chr3-120369648-A-T.
Other names: short protein forms F136Y.
Identifiers: ClinVar variation 2626838 (VCV002626838.1), dbSNP rs2472716381, ClinGen allele CA354078031.